The following is an entry in ClinVar:

ClinVar aggregate classification (germline): Uncertain significance. Review status: criteria provided, multiple submitters, no conflicts (2 of 4 stars). 3 submissions from 3 submitters: Uncertain significance (3). Last evaluated 2025-07-23.

Conditions:
Cardiovascular phenotype. Identifiers: MedGen CN230736.
Primary dilated cardiomyopathy (DCM). Also called: Dilated Cardiomyopathy. Identifiers: Orphanet 217604, MedGen C0007193, MeSH D002311, MONDO:0005021, HP:0001644. Inheritance: Various modes of inheritance.

Allele frequency attached by ClinVar (database versions not stated): gnomAD 0.00001; TOPMed 0.00001; ExAC 0.00002.
gnomAD v4.1: 55 of 1,613,838 alleles (0.0034%); highest among the groups gnomAD compares: Non-Finnish European, 0.0042%; no homozygotes.

Submissions (3):

Labcorp Genetics (formerly Invitae), Labcorp
Classification: Uncertain significance for Primary dilated cardiomyopathy. Last evaluated: 2025-07-23. Review status: criteria provided, single submitter. Criteria: Invitae Variant Classification Sherloc (09022015). Collection method: clinical testing. Allele origin: germline.
Comment: This sequence change replaces glycine, which is neutral and non-polar, with serine, which is neutral and polar, at codon 302 of the TXNRD2 protein (p.Gly302Ser). This variant is present in population databases (rs781228620, gnomAD 0.004%). This variant has not been reported in the literature in individuals affected with TXNRD2-related conditions. ClinVar contains an entry for this variant (Variation ID: 450970). Invitae Evidence Modeling of protein sequence and biophysical properties (such as structural, functional, and spatial information, amino acid conservation, physicochemical variation, residue mobility, and thermodynamic stability) indicates that this missense variant is not expected to disrupt TXNRD2 protein function with a negative predictive value of 80%. In summary, the available evidence is currently insufficient to determine the role of this variant in disease. Therefore, it has been classified as a Variant of Uncertain Significance.

Ambry Genetics
Classification: Uncertain significance for Cardiovascular phenotype. Last evaluated: 2025-02-24. Review status: criteria provided, single submitter. Criteria: Ambry Variant Classification Scheme 2023. Collection method: clinical testing. Allele origin: germline.

GeneDx
Classification: Uncertain significance. Last evaluated: 2020-01-24. Review status: criteria provided, single submitter. Criteria: GeneDx Variant Classification Process June 2021. Collection method: clinical testing. Allele origin: germline. Affected: yes.
Comment: Has not been previously published as pathogenic or benign to our knowledge; Not observed at a significant frequency in large population cohorts (Lek et al., 2016); In silico analysis, which includes protein predictors and evolutionary conservation, supports a deleterious effect

NM_006440.5(TXNRD2):c.904G>A (p.Gly302Ser)

Gene: TXNRD2 (thioredoxin reductase 2; minus strand). Cytogenetic location: 22q11.21.
Variant type: single nucleotide variant.
Coding change: c.904G>A on transcript NM_006440.5 (MANE Select); coding-DNA position 904, G replaced by A.
Protein change: p.Gly302Ser; replaces glycine 302 with serine.
Molecular consequence: missense variant. On other transcripts: non-coding transcript variant (1).
Genome position (GRCh38, 1-based): chr22:19,895,452, C>T on the plus strand (G>A on the coding strand, the complement: TXNRD2 is on the minus strand). VCF-style: chr22-19895452-C-T. GRCh37 (hg19) VCF-style: chr22-19882975-C-T.
Other names: c.904G>A, p.Gly302Ser (NM_001282512.3); c.901G>A, p.Gly301Ser (NM_001352300.2); c.814G>A, p.Gly272Ser (NM_001352301.2); c.616G>A, p.Gly206Ser (NM_001352302.2); c.808G>A, p.Gly270Ser (NM_001352303.2); short protein forms G302S, G272S, G301S, G206S, G270S.
Identifiers: ClinVar variation 450970 (VCV000450970.14), dbSNP rs781228620, ClinGen allele CA10103949.
Genomic context (GRCh38, chr22:19,895,452, plus strand): 5'-TCGACGTGCCCTTACCTATGGCCCACAGGACGGTGTCAAAGGTGCCCGTGTCCTCCTTGC[C>T]GGTGGTGCTGTCCTCCCAGGTGACCTGCAGCTGGCCATCAGGGAGCCTCCTGACCCGCGA-3'
Protein context (NP_006431.2, residues 292-312): LQVTWEDSTT[Gly302Ser]KEDTGTFDTV